The following is an entry in ClinVar:

ClinVar aggregate classification (germline): Conflicting classifications of pathogenicity. Review status: criteria provided, conflicting classifications (1 of 4 stars). 3 submissions from 3 submitters: Pathogenic (1); Uncertain significance (2). Last evaluated 2023-08-04.

Conditions:
Androgen resistance syndrome (AIS). Also called: DHTR DEFICIENCY; Androgen insensitivity syndrome due to coactivator deficiency; Androgen insensitivity syndrome; Androgen insensitivity, complete; ANDROGEN RECEPTOR DEFICIENCY; DIHYDROTESTOSTERONE RECEPTOR DEFICIENCY. Identifiers: Orphanet 754, Orphanet 99429, MedGen C0039585, MONDO:0019154, OMIM 300068. Disease mechanism: loss of function.
Kennedy disease (SMAX1). Also called: Spinal and Bulbar Muscular Atrophy; SPINAL AND BULBAR MUSCULAR ATROPHY, X-LINKED 1; KENNEDY SPINAL AND BULBAR MUSCULAR ATROPHY. Identifiers: Orphanet 481, MedGen C1839259, MONDO:0010735, OMIM 313200.
Partial androgen insensitivity syndrome (PAIS). Also called: Partial Androgen Insensitivity Syndrome (PAIS); Gynecomastia, familial; Reifenstein syndrome; Pseudohermaphroditism, Incomplete male, type I; Reifenstein syndrome, partial; Androgen resistance syndrome, partial. Identifiers: Orphanet 90797, MedGen C0268301, MONDO:0010720, OMIM 312300.
Hypospadias 1, X-linked (HYSP1). Identifiers: Orphanet 440, MedGen C2678098, MONDO:0010384, OMIM 300633.
Prostate cancer. Also called: Malignant tumor of prostate. Identifiers: Orphanet 1331, MedGen C0376358, MONDO:0008315, HP:0012125.

Allele frequency attached by ClinVar (database versions not stated): gnomAD exomes 0.00001; 1000 Genomes Project 30x 0.00021; 1000 Genomes Project 0.00026.
gnomAD v4.1: 9 of 1,195,565 alleles (0.00075%); highest among the groups gnomAD compares: East Asian, 0.0061%; no homozygotes.

Submissions (3):

Women's Health and Genetics/Laboratory Corporation of America, LabCorp
Classification: Uncertain significance. Last evaluated: 2023-08-04. Review status: criteria provided, single submitter. Criteria: LabCorp Variant Classification Summary - May 2015. Collection method: clinical testing. Allele origin: germline.
Comment: Variant summary: AR c.1175C>G (p.Pro392Arg) results in a non-conservative amino acid change in the encoded protein sequence. Five of five in-silico tools predict a damaging effect of the variant on protein function. The variant allele was found at a frequency of 1.4e-05 in 142775 control chromosomes (gnomAD). c.1175C>G has been reported in the literature in individuals affected with Androgen Resistance Syndrome (Gottlieb_1999, Wang_2018, Hu_2018, Xu_2018). These data indicate that the variant may be associated with disease. Co-occurrence with another pathogenic variant has been reported (AR c.2521C>T, p.Arg841Cys, Wang_2018), providing supporting evidence for a benign role. At least one publication reports experimental evidence evaluating an impact on protein function (Gottlieb_1999), however, the results do not allow convincing conclusions about the variant effect. The following publications have been ascertained in the context of this evaluation (PMID: 9399843, 10571951, 29582157, 29095814, 31277073). One submitter has cited a clinical-significance assessment for this variant to ClinVar after 2014 and has classified the variant as pathogenic. Based on the evidence outlined above, the variant was classified as VUS-possibly pathogenic.

Mendelics
Classification: Pathogenic for Familial prostate cancer. Last evaluated: 2022-05-04. Review status: criteria provided, single submitter. Criteria: Mendelics Assertion Criteria 2019. Collection method: clinical testing. Allele origin: germline.

Juno Genomics, Hangzhou Juno Genomics, Inc
Classification: Uncertain significance for Kennedy disease; Androgen resistance syndrome; Partial androgen insensitivity syndrome; Hypospadias 1, X-linked. Review status: criteria provided, single submitter. Criteria: ACMG Guidelines, 2015. Collection method: clinical testing. Allele origin: germline.
Comment: Absent from controls (or at extremely low frequency if recessive) in Genome Aggregation Database.;Multiple lines of computational evidence support a deleterious effect on the gene or gene product.;The prevalence of the variant in affected individuals is significantly increased compared to the prevalence in controls.;Patient's phenotype or family history is highly specific for a disease with a single genetic etiology.

Literature cited by the submitters: PubMed 29095814 (cited by Women's Health and Genetics/Laboratory Corporation of America, LabCorp); PubMed 29582157 (cited by Women's Health and Genetics/Laboratory Corporation of America, LabCorp); PubMed 31277073 (cited by Women's Health and Genetics/Laboratory Corporation of America, LabCorp); PubMed 10571951 (cited by Women's Health and Genetics/Laboratory Corporation of America, LabCorp); PubMed 9399843 (cited by Women's Health and Genetics/Laboratory Corporation of America, LabCorp).

NM_000044.6(AR):c.1175C>G (p.Pro392Arg)

Gene: AR (androgen receptor; plus strand). Cytogenetic location: Xq12.
Variant type: single nucleotide variant.
Coding change: c.1175C>G on transcript NM_000044.6 (MANE Select); coding-DNA position 1175, C replaced by G.
Protein change: p.Pro392Arg; replaces proline 392 with arginine.
Molecular consequence: missense variant. On other transcripts: 5 prime UTR variant (1).
Genome position (GRCh38, 1-based): chrX:67,546,321, C>G. VCF-style: chrX-67546321-C-G. GRCh37 (hg19) VCF-style: chrX-66766163-C-G.
Other names: c.-609C>G (NM_001011645.3); c.1175C>G, p.Pro392Arg (NM_001348061.1, NM_001348063.1, NM_001348064.1); c.1175C>G (NM_000044.3); short protein forms P392R.
Identifiers: ClinVar variation 1685534 (VCV001685534.3), dbSNP rs773996740, ClinGen allele CA330757160.
Genomic context (GRCh38, chrX:67,546,321, plus strand): 5'-CCGGACCGCCGCCCCCTCCGCCGCCTCCCCATCCCCACGCTCGCATCAAGCTGGAGAACC[C>G]GCTGGACTACGGCAGCGCCTGGGCGGCTGCGGCGGCGCAGTGCCGCTATGGGGACCTGGC-3'
Protein context (NP_000035.2, residues 382-402): HPHARIKLEN[Pro392Arg]LDYGSAWAAA